The following is an entry in ClinVar:

ClinVar aggregate classification (germline): Uncertain significance. Review status: criteria provided, multiple submitters, no conflicts (2 of 4 stars). 2 submissions from 2 submitters: Uncertain significance (2). Last evaluated 2026-06-22.

Conditions:
Inborn genetic diseases. Identifiers: MedGen C0950123, MeSH D030342.
PLS1-related disorder. Also called: PLS1-related condition.

gnomAD v4.1: 8 of 1,611,468 alleles (0.0005%); highest among the groups gnomAD compares: Non-Finnish European, 0.00068%; no homozygotes.

Submissions (2):

PreventionGenetics, part of Exact Sciences
Classification: Uncertain significance for PLS1-related condition. Last evaluated: 2026-06-22. Review status: criteria provided, single submitter. Criteria: ACMG Guidelines, 2015. Collection method: clinical testing. Allele origin: germline.
Comment: The PLS1 c.1091A>G variant is predicted to result in the amino acid substitution p.Asn364Ser. To our knowledge, this variant has not been reported in the literature or in a large population database (gnomAD), indicating this variant is rare. At this time, the clinical significance of this variant is uncertain due to the absence of conclusive functional and genetic evidence.

Ambry Genetics
Classification: Uncertain significance for Inborn genetic diseases. Last evaluated: 2025-11-07. Review status: criteria provided, single submitter. Criteria: Ambry Variant Classification Scheme 2023. Collection method: clinical testing. Allele origin: germline.

NM_001145319.2(PLS1):c.1091A>G (p.Asn364Ser)

Gene: PLS1 (plastin 1; plus strand). Cytogenetic location: 3q23.
Variant type: single nucleotide variant.
Coding change: c.1091A>G on transcript NM_001145319.2 (MANE Select); coding-DNA position 1091, A replaced by G.
Protein change: p.Asn364Ser; replaces asparagine 364 with serine.
Molecular consequence: missense variant.
Genome position (GRCh38, 1-based): chr3:142,689,727, A>G. VCF-style: chr3-142689727-A-G. GRCh37 (hg19) VCF-style: chr3-142408569-A-G.
Other names: c.1091A>G, p.Asn364Ser (NM_001172312.2, NM_002670.3); c.1091A>G (NM_001145319.1); short protein forms N364S.
Identifiers: ClinVar variation 4628007 (VCV004628007.2).